The following is an entry in ClinVar:

ClinVar aggregate classification (germline): Uncertain significance (1 of 4 stars; one submission).

Submission:

Women's Health and Genetics/Laboratory Corporation of America, LabCorp
Classification: Uncertain significance. Last evaluated: 2026-05-20. Review status: criteria provided, single submitter. Criteria: LabCorp Variant Classification Summary - May 2015. Collection method: clinical testing. Allele origin: germline.
Comment: Variant summary: PCLO c.3931_3933delGAT (p.Asp1311del) results in an in-frame deletion that is predicted to remove one amino acid from the encoded protein. The variant allele was found at a frequency of 4e-06 in 249088 control chromosomes (gnomAD). The available data on variant occurrences in the general population are insufficient to allow any conclusion about variant significance. To our knowledge, no occurrence of c.3931_3933delGAT in individuals affected with PCLO-related conditions and no experimental evidence demonstrating its impact on protein function have been reported. No submitters have cited clinical-significance assessments for this variant to ClinVar. Based on the evidence outlined above, the variant was classified as uncertain significance.

NM_033026.6(PCLO):c.3928GAT[1] (p.Asp1311del)

Gene: PCLO (piccolo presynaptic cytomatrix protein; minus strand). Cytogenetic location: 7q21.11.
Variant type: Microsatellite.
Coding change: c.3928GAT[1] on transcript NM_033026.6 (MANE Select); one copy of the 3-base unit GAT starting at c.3928; the reference has two copies in a row; one copy, 3 bases deleted.
Protein change: p.Asp1311del; deletes aspartic acid 1311.
Molecular consequence: inframe deletion.
Genome position (GRCh38, 1-based): chr7:82,965,855-82,965,857, ATC deleted on the plus strand (GAT on the coding strand, the reverse complement: PCLO is on the minus strand); deleting any 3 consecutive bases within chr7:82,965,855-82,965,860 gives the same sequence; the position shown is the placement nearest the transcript's 3' end. VCF-style (leftmost placement, unchanged base first): chr7-82965854-TATC-T. GRCh37 (hg19) VCF-style: chr7-82595170-TATC-T.
Other names: c.3928GAT[1], p.Asp1311del (NM_014510.3); c.3931_3933delGAT (NM_033026.6); short protein forms D1311del.
Identifiers: ClinVar variation 4853751 (VCV004853751.1).